The following is an entry in ClinVar:

ClinVar aggregate classification (germline): Uncertain significance. Review status: criteria provided, multiple submitters, no conflicts (2 of 4 stars). 2 submissions from 2 submitters: Uncertain significance (2). Last evaluated 2026-06-08.

Submissions (2):

Ambry Genetics
Classification: Uncertain significance. Last evaluated: 2026-06-08. Review status: criteria provided, single submitter. Criteria: Ambry Variant Classification Scheme 2023. Collection method: clinical testing. Allele origin: germline.
Comment: The p.W692R variant (also known as c.2074T>C), located in coding exon 8 of the RNF43 gene, results from a T to C substitution at nucleotide position 2074. The tryptophan at codon 692 is replaced by arginine, an amino acid with dissimilar properties. This amino acid position is conserved. In addition, the in silico prediction for this alteration is inconclusive. Based on the available evidence, the clinical significance of this variant remains unclear.

Labcorp Genetics (formerly Invitae), Labcorp
Classification: Uncertain significance. Last evaluated: 2025-06-03. Review status: criteria provided, single submitter. Criteria: Invitae Variant Classification Sherloc (09022015). Collection method: clinical testing. Allele origin: germline.
Comment: This sequence change replaces tryptophan, which is neutral and slightly polar, with arginine, which is basic and polar, at codon 692 of the RNF43 protein (p.Trp692Arg). This variant is not present in population databases (gnomAD no frequency). This variant has not been reported in the literature in individuals affected with RNF43-related conditions. An algorithm developed to predict the effect of missense changes on protein structure and function (PolyPhen-2) suggests that this variant is likely to be disruptive. In summary, the available evidence is currently insufficient to determine the role of this variant in disease. Therefore, it has been classified as a Variant of Uncertain Significance.

NM_017763.6(RNF43):c.2074T>C (p.Trp692Arg)

Gene: RNF43 (ring finger protein 43; minus strand). Cytogenetic location: 17q22.
Variant type: single nucleotide variant.
Coding change: c.2074T>C on transcript NM_017763.6 (MANE Select); coding-DNA position 2074, T replaced by C.
Protein change: p.Trp692Arg; replaces tryptophan 692 with arginine.
Molecular consequence: missense variant.
Genome position (GRCh38, 1-based): chr17:58,357,702, A>G on the plus strand (T>C on the coding strand, the complement: RNF43 is on the minus strand). VCF-style: chr17-58357702-A-G. GRCh37 (hg19) VCF-style: chr17-56435063-A-G.
Other names: c.2074T>C, p.Trp692Arg (NM_001305544.3, NM_001438820.1, NM_001438821.1 and 1 more transcripts); c.1693T>C, p.Trp565Arg (NM_001305545.2, NM_001437987.1); c.2074T>C (NM_017763.4); short protein forms W692R, W565R.
Identifiers: ClinVar variation 4753497 (VCV004753497.2).